The following is an entry in ClinVar:

ClinVar aggregate classification (germline): Uncertain significance (1 of 4 stars; one submission).

Conditions:
Polyglandular autoimmune syndrome, type 1 (APS1). Also called: AUTOIMMUNE POLYENDOCRINE SYNDROME, TYPE I, WITH OR WITHOUT REVERSIBLE METAPHYSEAL DYSPLASIA; HYPOADRENOCORTICISM WITH HYPOPARATHYROIDISM AND SUPERFICIAL MONILIASIS; Autoimmune polyendocrine syndrome type 1; Autoimmune polyendocrinopathy syndrome, type I; PGA I; Whitaker syndrome. Identifiers: Orphanet 3453, MedGen C0085859, MONDO:0009411, OMIM 240300.

gnomAD v4.1: 12 of 1,613,030 alleles (0.00074%); highest among the groups gnomAD compares: Non-Finnish European, 0.001%; no homozygotes.

Submission:

Labcorp Genetics (formerly Invitae), Labcorp
Classification: Uncertain significance for Polyglandular autoimmune syndrome, type 1. Last evaluated: 2025-12-30. Review status: criteria provided, single submitter. Criteria: Invitae Variant Classification Sherloc (09022015). Collection method: clinical testing. Allele origin: germline.
Comment: This sequence change falls in intron 7 of the AIRE gene. It does not directly change the encoded amino acid sequence of the AIRE protein. This variant is present in population databases (rs762165526, gnomAD 0.003%). This variant has not been reported in the literature in individuals affected with AIRE-related conditions. Algorithms developed to predict the effect of sequence changes on RNA splicing suggest that this variant may disrupt the consensus splice site. In summary, the available evidence is currently insufficient to determine the role of this variant in disease. Therefore, it has been classified as a Variant of Uncertain Significance.

NM_000383.4(AIRE):c.880-17T>A

Gene: AIRE (autoimmune regulator; plus strand). Cytogenetic location: 21q22.3.
Variant type: single nucleotide variant.
Coding change: c.880-17T>A on transcript NM_000383.4 (MANE Select); 17 bases into the intron before coding-DNA position 880, T replaced by A.
Molecular consequence: intron variant.
Genome position (GRCh38, 1-based): chr21:44,291,078, T>A. VCF-style: chr21-44291078-T-A. GRCh37 (hg19) VCF-style: chr21-45710961-T-A.
Identifiers: ClinVar variation 4707410 (VCV004707410.1).